The following is an entry in ClinVar:

ClinVar aggregate classification (germline): Pathogenic (1 of 4 stars; one submission).

Conditions:
Cortical dysplasia-focal epilepsy syndrome (PTHSL1). Also called: Pitt-Hopkins-like syndrome 1. Identifiers: Orphanet 163681, Orphanet 221150, MedGen C2750246, MONDO:0012400, OMIM 610042.

Submission:

Labcorp Genetics (formerly Invitae), Labcorp
Classification: Pathogenic for Cortical dysplasia-focal epilepsy syndrome. Last evaluated: 2021-08-28. Review status: criteria provided, single submitter. Criteria: Invitae Variant Classification Sherloc (09022015). Collection method: clinical testing. Allele origin: germline.
Comment: This variant is not present in population databases (ExAC no frequency). This variant has not been reported in the literature in individuals affected with CNTNAP2-related conditions. For these reasons, this variant has been classified as Pathogenic. This sequence change creates a premature translational stop signal (p.Asn799Metfs*32) in the CNTNAP2 gene. It is expected to result in an absent or disrupted protein product. Loss-of-function variants in CNTNAP2 are known to be pathogenic (PMID: 19896112, 21827697, 25045150, 26843181, 27439707).

Literature cited by the submitters: PubMed 19896112; PubMed 21827697; PubMed 25045150; PubMed 26843181; PubMed 27439707.

NM_014141.6(CNTNAP2):c.2396del (p.Asn799fs)

Gene: CNTNAP2 (contactin associated protein 2; plus strand). Cytogenetic location: 7q35.
Variant type: Deletion.
Coding change: c.2396del on transcript NM_014141.6 (MANE Select); coding-DNA position 2396, one base deleted (A; older notation c.2396delA).
Protein change: p.Asn799fs; shifts the reading frame from asparagine 799.
Molecular consequence: frameshift variant.
Genome position (GRCh38, 1-based): chr7:148,118,130, A deleted; the last of 2 consecutive A bases (chr7:148,118,129-148,118,130); deleting either gives the same sequence. VCF-style (leftmost placement, unchanged base first): chr7-148118128-GA-G. GRCh37 (hg19) VCF-style: chr7-147815220-GA-G.
Other names: short protein forms N799fs.
Identifiers: ClinVar variation 1359063 (VCV001359063.6), dbSNP rs2116608214, ClinGen allele CA2573141788.